The following is an entry in ClinVar:

ClinVar aggregate classification (germline): Uncertain significance (1 of 4 stars; one submission).

Conditions:
ROBO3-related disorder. Also called: ROBO3-related condition.

gnomAD v4.1: 11 of 1,613,784 alleles (0.00068%); highest among the groups gnomAD compares: Admixed American, 0.0083%; no homozygotes.

Submission:

PreventionGenetics, part of Exact Sciences
Classification: Uncertain significance for ROBO3-related condition. Last evaluated: 2026-06-06. Review status: criteria provided, single submitter. Criteria: ACMG Guidelines, 2015. Collection method: clinical testing. Allele origin: germline.
Comment: The ROBO3 c.3731G>C variant is predicted to result in the amino acid substitution p.Gly1244Ala. To our knowledge, this variant has not been reported in the literature. This variant is reported in 0.011% of alleles in individuals of Latino descent in gnomAD. At this time, the clinical significance of this variant is uncertain due to the absence of conclusive functional and genetic evidence.

NM_022370.4(ROBO3):c.3731G>C (p.Gly1244Ala)

Gene: ROBO3 (roundabout guidance receptor 3; plus strand). Cytogenetic location: 11q24.2.
Variant type: single nucleotide variant.
Coding change: c.3731G>C on transcript NM_022370.4 (MANE Select); coding-DNA position 3731, G replaced by C.
Protein change: p.Gly1244Ala; replaces glycine 1244 with alanine.
Molecular consequence: missense variant. On other transcripts: non-coding transcript variant (7).
Genome position (GRCh38, 1-based): chr11:124,879,510, G>C. VCF-style: chr11-124879510-G-C. GRCh37 (hg19) VCF-style: chr11-124749406-G-C.
Other names: c.878G>C, p.Gly293Ala (NM_001370356.1, NM_001370357.1, NM_001370358.1 and 2 more transcripts); c.683G>C, p.Gly228Ala (NM_001370364.1, NM_001370366.1); short protein forms G228A, G1244A, G293A.
Identifiers: ClinVar variation 4983481 (VCV004983481.1).